The following is an entry in ClinVar:

ClinVar aggregate classification (germline): Likely benign. Review status: criteria provided, multiple submitters, no conflicts (2 of 4 stars). 4 submissions from 4 submitters: Likely benign (4). Last evaluated 2025-05-08.

Conditions:
Cardiovascular phenotype. Identifiers: MedGen CN230736.
Brugada syndrome 4 (BRGDA4). Identifiers: Orphanet 130, MedGen C2678477, MONDO:0012743, OMIM 611876.
CACNB2-related disorder. Also called: CACNB2-related condition.

Allele frequency attached by ClinVar (database versions not stated): gnomAD 0.00001; ExAC 0.00002; TOPMed 0.00002; gnomAD exomes 0.00003.
gnomAD v4.1: 98 of 1,613,594 alleles (0.0061%); highest among the groups gnomAD compares: Non-Finnish European, 0.0071%; no homozygotes.

Submissions (4):

PreventionGenetics, part of Exact Sciences
Classification: Likely benign for CACNB2-related condition. Last evaluated: 2025-05-08. Review status: criteria provided, single submitter. Criteria: ACMG Guidelines, 2015. Collection method: clinical testing. Allele origin: germline.
Comment: This variant is classified as likely benign based on ACMG/AMP sequence variant interpretation guidelines (Richards et al. 2015 PMID: 25741868, with internal and published modifications).

Labcorp Genetics (formerly Invitae), Labcorp
Classification: Likely benign for Brugada syndrome 4. Last evaluated: 2025-04-11. Review status: criteria provided, single submitter. Criteria: Invitae Variant Classification Sherloc (09022015). Collection method: clinical testing. Allele origin: germline.

Blueprint Genetics
Classification: Likely benign. Last evaluated: 2023-10-18. Review status: criteria provided, single submitter. Criteria: ACMG Guidelines, 2015. Collection method: clinical testing. Allele origin: germline.

Ambry Genetics
Classification: Likely benign for Cardiovascular phenotype. Last evaluated: 2019-01-28. Review status: criteria provided, single submitter. Criteria: Ambry Variant Classification Scheme 2023. Collection method: clinical testing. Allele origin: germline.

NM_201596.3(CACNB2):c.1122C>T (p.Asp374=)

Gene: CACNB2 (calcium voltage-gated channel auxiliary subunit beta 2; plus strand). Cytogenetic location: 10p12.31.
Variant type: single nucleotide variant.
Coding change: c.1122C>T on transcript NM_201596.3 (MANE Select); coding-DNA position 1122, C replaced by T.
Protein change: p.Asp374=; no amino-acid change (aspartic acid 374 retained).
Molecular consequence: synonymous variant.
Genome position (GRCh38, 1-based): chr10:18,534,143, C>T. VCF-style: chr10-18534143-C-T. GRCh37 (hg19) VCF-style: chr10-18823072-C-T.
Other names: c.957C>T, p.Asp319= (NM_000724.4); c.924C>T, p.Asp308= (NM_001167945.2); c.843C>T, p.Asp281= (NM_001330060.2); c.978C>T, p.Asp326= (NM_201570.3); c.1038C>T, p.Asp346= (NM_201571.4); c.966C>T, p.Asp322= (NM_201572.4); c.960C>T, p.Asp320= (NM_201590.3); c.1008C>T, p.Asp336= (NM_201593.3); and 1 more.
Identifiers: ClinVar variation 698163 (VCV000698163.14), dbSNP rs770364083, ClinGen allele CA5429916.